The following is an entry in ClinVar:

ClinVar aggregate classification (germline): Benign/Likely benign. Review status: criteria provided, multiple submitters, no conflicts (2 of 4 stars). 2 submissions from 2 submitters: Benign (1); Likely benign (1). Last evaluated 2025-06-06.

Conditions:
Tuberous sclerosis 2 (TSC2). Identifiers: Orphanet 805, MedGen C1860707, MONDO:0013199, OMIM 613254.

Submissions (2):

Myriad Genetics, Inc.
Classification: Benign for Tuberous sclerosis 2. Last evaluated: 2025-06-06. Review status: criteria provided, single submitter. Criteria: Myriad Autosomal Dominant, Autosomal Recessive and X-Linked Classification Criteria (2023). Collection method: clinical testing. Allele origin: unknown.
Comment: This variant is considered benign. This variant is a silent/synonymous amino acid change and it is not expected to impact splicing.

Labcorp Genetics (formerly Invitae), Labcorp
Classification: Likely benign for Tuberous sclerosis 2. Last evaluated: 2020-08-20. Review status: criteria provided, single submitter. Criteria: Invitae Variant Classification Sherloc (09022015). Collection method: clinical testing. Allele origin: germline.

NM_000548.5(TSC2):c.5187C>G (p.Arg1729=)

Gene: TSC2 (TSC complex subunit 2; plus strand). Cytogenetic location: 16p13.3.
Variant type: single nucleotide variant.
Coding change: c.5187C>G on transcript NM_000548.5 (MANE Select); coding-DNA position 5187, C replaced by G.
Protein change: p.Arg1729=; no amino-acid change (arginine 1729 retained).
Molecular consequence: synonymous variant.
Genome position (GRCh38, 1-based): chr16:2,088,253, C>G. VCF-style: chr16-2088253-C-G. GRCh37 (hg19) VCF-style: chr16-2138254-C-G.
Other names: c.4986C>G, p.Arg1662= (NM_001077183.3); c.5118C>G, p.Arg1706= (NM_001114382.3); c.4878C>G, p.Arg1626= (NM_001318827.2); c.4842C>G, p.Arg1614= (NM_001318829.2); c.4455C>G, p.Arg1485= (NM_001318831.2); c.5019C>G, p.Arg1673= (NM_001318832.2); c.4989C>G, p.Arg1663= (NM_001363528.2); c.5055C>G, p.Arg1685= (NM_001370404.1); and 2 more.
Identifiers: ClinVar variation 1081424 (VCV001081424.10), dbSNP rs2091133958, ClinGen allele CA493043748.